The following is an entry in ClinVar:

ClinVar aggregate classification (germline): Uncertain significance (1 of 4 stars; one submission).

Submission:

GeneDx
Classification: Uncertain significance. Last evaluated: 2026-02-12. Review status: criteria provided, single submitter. Criteria: GeneDx Variant Classification Process June 2021. Collection method: clinical testing. Allele origin: germline.
Comment: Not observed at significant frequency in large population cohorts (gnomAD); In silico analysis supports that this missense variant has a deleterious effect on protein structure/function; Has not been previously published as pathogenic or benign to our knowledge

NM_021008.4(DEAF1):c.877C>A (p.Pro293Thr)

Gene: DEAF1 (DEAF1 transcription factor; minus strand). Cytogenetic location: 11p15.5.
Variant type: single nucleotide variant.
Coding change: c.877C>A on transcript NM_021008.4 (MANE Select); coding-DNA position 877, C replaced by A.
Protein change: p.Pro293Thr; replaces proline 293 with threonine.
Molecular consequence: missense variant. On other transcripts: intron variant (1).
Genome position (GRCh38, 1-based): chr11:681,083, G>T on the plus strand (C>A on the coding strand, the complement: DEAF1 is on the minus strand). VCF-style: chr11-681083-G-T. GRCh37 (hg19) VCF-style: chr11-681083-G-T.
Other names: c.151C>A, p.Pro51Thr (NM_001367390.1, NM_001440885.1, NM_001440886.1 and 1 more transcripts); c.877C>A, p.Pro293Thr (NM_001440883.1, NM_001440884.1); c.731-1267C>A (NM_001293634.2); short protein forms P293T, P51T.
Identifiers: ClinVar variation 4975952 (VCV004975952.1).